The following is an entry in ClinVar:

ClinVar aggregate classification (germline): Uncertain significance (1 of 4 stars; one submission).

Conditions:
Familial adenomatous polyposis 1 (FAP1). Also called: FAMILIAL ADENOMATOUS POLYPOSIS 1, ATTENUATED; POLYPOSIS, ADENOMATOUS INTESTINAL. Identifiers: MedGen C2713442, MONDO:0021056, OMIM 175100. Disease mechanism: loss of function.

Submission:

Labcorp Genetics (formerly Invitae), Labcorp
Classification: Uncertain significance for Familial adenomatous polyposis 1. Last evaluated: 2021-12-16. Review status: criteria provided, single submitter. Criteria: Invitae Variant Classification Sherloc (09022015). Collection method: clinical testing. Allele origin: germline.
Comment: In summary, the available evidence is currently insufficient to determine the role of this variant in disease. Therefore, it has been classified as a Variant of Uncertain Significance. Algorithms developed to predict the effect of missense changes on protein structure and function (SIFT, PolyPhen-2, Align-GVGD) all suggest that this variant is likely to be tolerated. This variant has not been reported in the literature in individuals affected with APC-related conditions. This variant is not present in population databases (gnomAD no frequency). This sequence change replaces threonine, which is neutral and polar, with asparagine, which is neutral and polar, at codon 1313 of the APC protein (p.Thr1313Asn).

NM_000038.6(APC):c.3938C>A (p.Thr1313Asn)

Gene: APC (APC regulator of Wnt signaling pathway; plus strand). Cytogenetic location: 5q22.2.
Variant type: single nucleotide variant.
Coding change: c.3938C>A on transcript NM_000038.6 (MANE Select); coding-DNA position 3938, C replaced by A.
Protein change: p.Thr1313Asn; replaces threonine 1313 with asparagine.
Molecular consequence: missense variant.
Genome position (GRCh38, 1-based): chr5:112,839,532, C>A. VCF-style: chr5-112839532-C-A. GRCh37 (hg19) VCF-style: chr5-112175229-C-A.
Other names: c.3938C>A, p.Thr1313Asn (NM_001127510.3, NM_001354895.2, NM_001407450.1); c.3884C>A, p.Thr1295Asn (NM_001127511.3); c.3992C>A, p.Thr1331Asn (NM_001354896.2, NM_001407447.1, NM_001407448.1 and 1 more transcripts); c.3968C>A, p.Thr1323Asn (NM_001354897.2); c.3863C>A, p.Thr1288Asn (NM_001354898.2); c.3854C>A, p.Thr1285Asn (NM_001354899.2); c.3815C>A, p.Thr1272Asn (NM_001354900.2); c.3761C>A, p.Thr1254Asn (NM_001354901.2, NM_001407453.1); and 11 more; short protein forms T1153N, T1230N, T1254N, T1272N, T1285N, T1306N, T1341N, T1222N.
Identifiers: ClinVar variation 2044511 (VCV002044511.4), dbSNP rs1032236993, ClinGen allele CA16029973.
Genomic context (GRCh38, chr5:112,839,532, plus strand): 5'-CACAGGAAGCAGATTCTGCTAATACCCTGCAAATAGCAGAAATAAAAGAAAAGATTGGAA[C>A]TAGGTCAGCTGAAGATCCTGTGAGCGAAGTTCCAGCAGTGTCACAGCACCCTAGAACCAA-3'
Protein context (NP_000029.2, residues 1303-1323): QIAEIKEKIG[Thr1313Asn]RSAEDPVSEV